The following is an entry in ClinVar:

ClinVar aggregate classification (germline): Likely benign (1 of 4 stars; one submission).

Allele frequency attached by ClinVar (database versions not stated): 1000 Genomes Project 30x 0.01312; 1000 Genomes Project 0.01458; TOPMed 0.01872; gnomAD 0.02111; gnomAD exomes 0.02615.
gnomAD v4.1: 14,154 of 569,610 alleles (2.5%); highest among the groups gnomAD compares: Middle Eastern, 4.7%; 243 homozygotes.

Submission:

GeneDx
Classification: Likely benign. Last evaluated: 2021-05-19. Review status: criteria provided, single submitter. Criteria: GeneDx Variant Classification Process June 2021. Collection method: clinical testing. Allele origin: germline. Affected: yes.
Comment: See Variant Classification Assertion Criteria.

NM_015978.3(TNNI3K):c.1772+141G>A

Genes: FPGT-TNNI3K (FPGT-TNNI3K readthrough; plus strand), TNNI3K (TNNI3 interacting kinase; plus strand). Cytogenetic location: 1p31.1.
Variant type: single nucleotide variant.
Coding change: c.1772+141G>A on transcript NM_015978.3 (MANE Select); 141 bases into the intron after coding-DNA position 1772, G replaced by A.
Molecular consequence: intron variant.
Genome position (GRCh38, 1-based): chr1:74,370,533, G>A. VCF-style: chr1-74370533-G-A. GRCh37 (hg19) VCF-style: chr1-74836217-G-A.
Other names: c.2075+141G>A (NM_001112808.3, NM_001199327.2).
Identifiers: ClinVar variation 1706741 (VCV001706741.2), dbSNP rs7513825, ClinGen allele CA24546055.